The following is an entry in ClinVar:

ClinVar aggregate classification (germline): Uncertain significance (1 of 4 stars; one submission).

Conditions:
Charcot-Marie-Tooth disease axonal type 2Z. Also called: CHARCOT-MARIE-TOOTH DISEASE, AXONAL, AUTOSOMAL DOMINANT, TYPE 2Z; CHARCOT-MARIE-TOOTH NEUROPATHY, TYPE 2Z. Identifiers: Orphanet 466768, MedGen C5569025, MONDO:0014736, OMIM 616688.

gnomAD v4.1: 16 of 1,614,084 alleles (0.00099%); highest among the groups gnomAD compares: Non-Finnish European, 0.0014%; no homozygotes.

Submission:

Labcorp Genetics (formerly Invitae), Labcorp
Classification: Uncertain significance for Charcot-Marie-Tooth disease axonal type 2Z. Last evaluated: 2018-05-02. Review status: criteria provided, single submitter. Criteria: Invitae Variant Classification Sherloc (09022015). Collection method: clinical testing. Allele origin: germline.
Comment: In summary, the available evidence is currently insufficient to determine the role of this variant in disease. Therefore, it has been classified as a Variant of Uncertain Significance. Algorithms developed to predict the effect of sequence changes on RNA splicing suggest that this variant may create or strengthen a splice site, but this prediction has not been confirmed by published transcriptional studies. This variant has not been reported in the literature in individuals with MORC2-related disease. This variant is not present in population databases (ExAC no frequency). This sequence change affects codon 394 of the MORC2 mRNA. It is a 'silent' change, meaning that it does not change the encoded amino acid sequence of the MORC2 protein.

NM_001303256.3(MORC2):c.1368C>A (p.Ile456=)

Gene: MORC2 (MORC family CW-type zinc finger 2; minus strand). Cytogenetic location: 22q12.2.
Variant type: single nucleotide variant.
Coding change: c.1368C>A on transcript NM_001303256.3 (MANE Select); coding-DNA position 1368, C replaced by A.
Protein change: p.Ile456=; no amino-acid change (isoleucine 456 retained).
Molecular consequence: synonymous variant.
Genome position (GRCh38, 1-based): chr22:30,937,816, G>T on the plus strand (C>A on the coding strand, the complement: MORC2 is on the minus strand). VCF-style: chr22-30937816-G-T. GRCh37 (hg19) VCF-style: chr22-31333803-G-T.
Other names: c.1368C>A, p.Ile456= (NM_001303257.2); c.1182C>A, p.Ile394= (NM_014941.3).
Identifiers: ClinVar variation 581186 (VCV000581186.9), dbSNP rs777612473, ClinGen allele CA514457698.